The following is an entry in ClinVar:

NM_177438.3(DICER1):c.1440del (p.Gly481fs)

Gene: DICER1 (dicer 1, ribonuclease III; minus strand). Cytogenetic location: 14q32.13.
Variant type: Deletion.
Coding change: c.1440del on transcript NM_177438.3 (MANE Select); coding-DNA position 1440, one base deleted (T; older notation c.1440delT).
Protein change: p.Gly481fs; shifts the reading frame from glycine 481.
Molecular consequence: frameshift variant. On other transcripts: non-coding transcript variant (6), 5 prime UTR variant (1).
Genome position (GRCh38, 1-based): chr14:95,117,691, A deleted on the plus strand (T on the coding strand, the reverse complement: DICER1 is on the minus strand). VCF-style (leftmost placement, unchanged base first): chr14-95117690-CA-C. GRCh37 (hg19) VCF-style: chr14-95584027-CA-C.
Other names: c.-129del (NM_001395697.1); c.1035del, p.Gly346fs (NM_001395698.1, NM_001395687.1, NM_001395688.1 and 3 more transcripts); c.1440del, p.Gly481fs (NM_030621.4, NM_001195573.1, NM_001271282.3 and 12 more transcripts); c.1158del, p.Gly387fs (NM_001395686.1); c.873del, p.Gly292fs (NM_001395691.1); short protein forms G292fs, G346fs, G387fs, G481fs.
Identifiers: ClinVar variation 4869781 (VCV004869781.1).
Genomic context (GRCh38, chr14:95,117,690, plus strand): 5'-GTTTTCTGAATTCTGCTTCCATCTGTTTGTTGCGAGGCTGATTCTTCCCAATGCCATGTC[CA>C]GTTATGAAATTGCTACTGATATAAGCCAGCTCTGGATCTTGTTTGCCAGCTTCCTTTATC-3'

ClinVar aggregate classification (germline): Pathogenic (1 of 4 stars; one submission).

Conditions:
Hereditary cancer-predisposing syndrome. Also called: Neoplastic Syndromes, Hereditary; Tumor predisposition; Hereditary Cancer Syndrome; Hereditary neoplastic syndrome. Identifiers: Orphanet 140162, MedGen C0027672, MeSH D009386, MONDO:0015356.

Submission:

Ambry Genetics
Classification: Pathogenic for Hereditary cancer-predisposing syndrome. Last evaluated: 2026-05-07. Review status: criteria provided, single submitter. Criteria: Ambry Variant Classification Scheme 2023. Collection method: clinical testing. Allele origin: germline.
Comment: The c.1440delT pathogenic mutation, located in coding exon 8 of the DICER1 gene, results from a deletion of one nucleotide at nucleotide position 1440, causing a translational frameshift with a predicted alternate stop codon (p.G481Dfs*42). This variant is considered to be rare based on population cohorts in the Genome Aggregation Database (gnomAD). This alteration is expected to result in loss of function by premature protein truncation or nonsense-mediated mRNA decay. As such, this alteration is interpreted as a disease-causing mutation.